The following is an entry in ClinVar:

ClinVar aggregate classification (germline): Benign/Likely benign. Review status: criteria provided, multiple submitters, no conflicts (2 of 4 stars). 5 submissions from 5 submitters: Benign (1); Likely benign (3). 1 of the submissions does not count toward it. Last evaluated 2026-01-20.

Conditions:
NPHS1-related disorder. Also called: NPHS1-related condition.
Finnish congenital nephrotic syndrome (NPHS1). Also called: NEPHROTIC SYNDROME, TYPE 1. Identifiers: Orphanet 839, MedGen C0403399, MONDO:0009732, OMIM 256300.

Allele frequency attached by ClinVar (database versions not stated): gnomAD exomes 0.00008 and 0.00025; gnomAD 0.00009 and 0.00011; TOPMed 0.00015; ExAC 0.00021; 1000 Genomes Project 0.00040; 1000 Genomes Project 30x 0.00047.
gnomAD v4.1: 138 of 1,614,102 alleles (0.0085%); highest among the groups gnomAD compares: East Asian, 0.21%; no homozygotes.

Submissions (5):

Labcorp Genetics (formerly Invitae), Labcorp
Classification: Benign. Last evaluated: 2026-01-20. Review status: criteria provided, single submitter. Criteria: Invitae Variant Classification Sherloc (09022015). Collection method: clinical testing. Allele origin: germline.

Blueprint Genetics
Classification: Likely benign. Last evaluated: 2024-10-07. Review status: criteria provided, single submitter. Criteria: ACMG Guidelines, 2015. Collection method: clinical testing. Allele origin: germline.

CeGaT Center for Human Genetics Tuebingen
Classification: Likely benign. Last evaluated: 2022-08-01. Review status: criteria provided, single submitter. Criteria: CeGaT Center For Human Genetics Tuebingen Variant Classification Criteria Version 2. Collection method: clinical testing. Allele origin: germline. Affected: yes. Observed: 1 variant allele.
Comment: NPHS1: BP4, BP7

Genome-Nilou Lab
Classification: Likely benign for Finnish congenital nephrotic syndrome. Last evaluated: 2021-07-14. Review status: criteria provided, single submitter. Criteria: ACMG Guidelines, 2015. Collection method: clinical testing. Allele origin: germline. Affected: no.

PreventionGenetics, part of Exact Sciences
Classification: Likely benign for NPHS1-related condition. Last evaluated: 2022-12-20. Review status: no assertion criteria provided. Collection method: clinical testing. Allele origin: germline. Not counted in ClinVar's aggregate classification.
Comment: This variant is classified as likely benign based on ACMG/AMP sequence variant interpretation guidelines (Richards et al. 2015 PMID: 25741868, with internal and published modifications).

NM_004646.4(NPHS1):c.3321G>A (p.Glu1107=)

Gene: NPHS1 (NPHS1 adhesion molecule, nephrin; minus strand). Cytogenetic location: 19q13.12.
Variant type: single nucleotide variant.
Coding change: c.3321G>A on transcript NM_004646.4 (MANE Select); coding-DNA position 3321, G replaced by A.
Protein change: p.Glu1107=; no amino-acid change (glutamic acid 1107 retained).
Molecular consequence: synonymous variant.
Genome position (GRCh38, 1-based): chr19:35,831,362, C>T on the plus strand (G>A on the coding strand, the complement: NPHS1 is on the minus strand). VCF-style: chr19-35831362-C-T. GRCh37 (hg19) VCF-style: chr19-36322264-C-T.
Identifiers: ClinVar variation 757504 (VCV000757504.39), dbSNP rs115670171, ClinGen allele CA9389799.